The following is an entry in ClinVar:

NM_001267550.2(TTN):c.6490G>A (p.Ala2164Thr)

Gene: TTN (titin; minus strand). Cytogenetic location: 2q31.2.
Variant type: single nucleotide variant.
Coding change: c.6490G>A on transcript NM_001267550.2 (MANE Select); coding-DNA position 6490, G replaced by A.
Protein change: p.Ala2164Thr; replaces alanine 2164 with threonine.
Molecular consequence: missense variant.
Genome position (GRCh38, 1-based): chr2:178,775,374, C>T on the plus strand (G>A on the coding strand, the complement: TTN is on the minus strand). VCF-style: chr2-178775374-C-T. GRCh37 (hg19) VCF-style: chr2-179640101-C-T.
Other names: c.6352G>A, p.Ala2118Thr (NM_003319.4, NM_133432.3, NM_133437.4); c.6490G>A, p.Ala2164Thr (NM_133378.4, NM_133379.5, NM_001256850.1); short protein forms A2164T, A2118T.
Identifiers: ClinVar variation 517038 (VCV000517038.15), dbSNP rs56285559, ClinGen allele CA2005037.
Genomic context (GRCh38, chr2:178,775,374, plus strand): 5'-AATACAAAGACAGGTCCATCAAAGGAAAGACATGCAAATTACCTTGGACAAGTAAGAATG[C>T]GTGACTGGAGGTTTCTCCAGCTATGTTGATGGCTTTTACCATGATGCTGGCAGAGTCCTC-3'
Protein context (NP_001254479.2, residues 2154-2174): INIAGETSSH[Ala2164Thr]FLLVQAKQLI

ClinVar aggregate classification (germline): Conflicting classifications of pathogenicity. Review status: criteria provided, conflicting classifications (1 of 4 stars). 5 submissions from 5 submitters: Uncertain significance (1); Likely benign (4). Last evaluated 2026-01-27.

Conditions:
Autosomal recessive limb-girdle muscular dystrophy type 2J (LGMDR10). Also called: Limb-girdle muscular dystrophy, type 2J; MUSCULAR DYSTROPHY, LIMB-GIRDLE, AUTOSOMAL RECESSIVE 10. Identifiers: Orphanet 140922, MedGen C1837342, MONDO:0012127, OMIM 608807.
Dilated cardiomyopathy 1G (CMD1G). Identifiers: Orphanet 154, MedGen C1858763, MONDO:0011400, OMIM 604145.

Allele frequency attached by ClinVar (database versions not stated): gnomAD 0.00003; TOPMed 0.00007; ESP Exome Variant Server 0.00008; ExAC 0.00014; gnomAD exomes 0.00014.

Submissions (5):

Labcorp Genetics (formerly Invitae), Labcorp
Classification: Likely benign for Dilated cardiomyopathy 1G; Autosomal recessive limb-girdle muscular dystrophy type 2J. Last evaluated: 2026-01-27. Review status: criteria provided, single submitter. Criteria: Invitae Variant Classification Sherloc (09022015). Collection method: clinical testing. Allele origin: germline.

Revvity Omics, Revvity
Classification: Uncertain significance. Last evaluated: 2024-12-20. Review status: criteria provided, single submitter. Criteria: ACMG Guidelines, 2015. Collection method: clinical testing. Allele origin: germline.

Blueprint Genetics
Classification: Likely benign. Last evaluated: 2024-06-26. Review status: criteria provided, single submitter. Criteria: ACMG Guidelines, 2015. Collection method: clinical testing. Allele origin: germline.

GeneDx
Classification: Likely benign. Last evaluated: 2019-11-18. Review status: criteria provided, single submitter. Criteria: GeneDx Variant Classification Process June 2021. Collection method: clinical testing. Allele origin: germline. Affected: yes.
Comment: This variant is associated with the following publications: (PMID: 27066551)

Breakthrough Genomics
Classification: Likely benign. Review status: criteria provided, single submitter. Criteria: ACMG Guidelines, 2015. Collection method: not provided. Allele origin: germline. Inheritance: Autosomal recessive inheritance. Affected: yes.